The following is an entry in ClinVar:

ClinVar aggregate classification (germline): Likely pathogenic (1 of 4 stars; one submission).

gnomAD v4.1: 3 of 1,613,898 alleles (0.00019%); highest among the groups gnomAD compares: Non-Finnish European, 0.00017%; no homozygotes.

Submission:

Labcorp Genetics (formerly Invitae), Labcorp
Classification: Likely pathogenic. Last evaluated: 2023-10-06. Review status: criteria provided, single submitter. Criteria: Invitae Variant Classification Sherloc (09022015). Collection method: clinical testing. Allele origin: germline.
Comment: This sequence change replaces phenylalanine, which is neutral and non-polar, with leucine, which is neutral and non-polar, at codon 73 of the CYP4V2 protein (p.Phe73Leu). This variant is not present in population databases (gnomAD no frequency). A different variant (c.219T>A) giving rise to the same protein effect has been determined to be pathogenic (PMID: 24739949, 33090715). This suggests that this variant is also likely to be causative of disease. Advanced modeling of protein sequence and biophysical properties (such as structural, functional, and spatial information, amino acid conservation, physicochemical variation, residue mobility, and thermodynamic stability) has been performed at Invitae for this missense variant, however the output from this modeling did not meet the statistical confidence thresholds required to predict the impact of this variant on CYP4V2 protein function. In summary, the currently available evidence indicates that the variant is pathogenic, but additional data are needed to prove that conclusively. Therefore, this variant has been classified as Likely Pathogenic.

Literature cited by the submitters: PubMed 24739949; PubMed 33090715.

NM_207352.4(CYP4V2):c.217T>C (p.Phe73Leu)

Gene: CYP4V2 (cytochrome P450 family 4 subfamily V member 2; plus strand). Cytogenetic location: 4q35.1.
Variant type: single nucleotide variant.
Coding change: c.217T>C on transcript NM_207352.4 (MANE Select); coding-DNA position 217, T replaced by C.
Protein change: p.Phe73Leu; replaces phenylalanine 73 with leucine.
Molecular consequence: missense variant.
Genome position (GRCh38, 1-based): chr4:186,194,502, T>C. VCF-style: chr4-186194502-T-C. GRCh37 (hg19) VCF-style: chr4-187115656-T-C.
Other names: short protein forms F73L.
Identifiers: ClinVar variation 2976397 (VCV002976397.3), dbSNP rs751069999, ClinGen allele CA112120895.
Genomic context (GRCh38, chr4:186,194,502, plus strand): 5'-AATACTGGTCACAACTTTCTCATCTTGATTGAATTTCAAATTTGATGTTTTTCCCCAGAA[T>C]TTTTTCAGCAGATCATTGAGTACACAGAGGAATACCGCCACATGCCGCTGCTGAAGCTCT-3'
Protein context (NP_997235.3, residues 63-83): ALLMKPDGRE[Phe73Leu]FQQIIEYTEE